The following is an entry in ClinVar:

ClinVar aggregate classification (germline): Uncertain significance (1 of 4 stars; one submission).

Submission:

Ambry Genetics
Classification: Uncertain significance. Last evaluated: 2025-08-20. Review status: criteria provided, single submitter. Criteria: Ambry Variant Classification Scheme 2023. Collection method: clinical testing. Allele origin: germline.
Comment: The p.H381L variant (also known as c.1142A>T), located in coding exon 2 of the CDK12 gene, results from an A to T substitution at nucleotide position 1142. The histidine at codon 381 is replaced by leucine, an amino acid with similar properties. This amino acid position is conserved. In addition, this alteration is predicted to be tolerated by in silico analysis. Based on the available evidence, the clinical significance of this variant remains unclear.

NM_016507.4(CDK12):c.1142A>T (p.His381Leu)

Gene: CDK12 (cyclin dependent kinase 12; plus strand). Cytogenetic location: 17q12.
Variant type: single nucleotide variant.
Coding change: c.1142A>T on transcript NM_016507.4 (MANE Select); coding-DNA position 1142, A replaced by T.
Protein change: p.His381Leu; replaces histidine 381 with leucine.
Molecular consequence: missense variant.
Genome position (GRCh38, 1-based): chr17:39,470,974, A>T. VCF-style: chr17-39470974-A-T. GRCh37 (hg19) VCF-style: chr17-37627227-A-T.
Other names: c.1142A>T, p.His381Leu (NM_015083.4); short protein forms H381L.
Identifiers: ClinVar variation 4224396 (VCV004224396.1).